The following is an entry in ClinVar:

ClinVar aggregate classification (germline): Likely benign. Review status: criteria provided, multiple submitters, no conflicts (2 of 4 stars). 3 submissions from 3 submitters: Likely benign (3). Last evaluated 2025-04-30.

Conditions:
Neuropathy, hereditary sensory and autonomic, type 2A (HSAN2A). Also called: WNK1-Related HSAN2 (HSAN2A); HSAN IIA; ACROOSTEOLYSIS, GIACCAI TYPE; ACROOSTEOLYSIS, NEUROGENIC; MORVAN DISEASE; NEUROPATHY, CONGENITAL SENSORY. Identifiers: Orphanet 970, MedGen C2752089, MONDO:0024309, OMIM 201300.
Pseudohypoaldosteronism type 2C (PHA2C). Also called: Pseudohypoaldosteronism Type IIC. Identifiers: Orphanet 757, Orphanet 88940, MedGen C1840391, MONDO:0013778, OMIM 614492.
WNK1-related disorder. Also called: WNK1-related condition.

Allele frequency attached by ClinVar (database versions not stated): gnomAD exomes below 0.00001 and 0.00002; ExAC 0.00003; TOPMed 0.00005; gnomAD 0.00006; 1000 Genomes Project 30x 0.00016; 1000 Genomes Project 0.00020.

Submissions (3):

Labcorp Genetics (formerly Invitae), Labcorp
Classification: Likely benign for Neuropathy, hereditary sensory and autonomic, type 2A; Pseudohypoaldosteronism type 2C. Last evaluated: 2025-04-30. Review status: criteria provided, single submitter. Criteria: Invitae Variant Classification Sherloc (09022015). Collection method: clinical testing. Allele origin: germline.

PreventionGenetics, part of Exact Sciences
Classification: Likely benign for WNK1-related condition. Last evaluated: 2025-02-17. Review status: criteria provided, single submitter. Criteria: ACMG Guidelines, 2015. Collection method: clinical testing. Allele origin: germline.
Comment: This variant is classified as likely benign based on ACMG/AMP sequence variant interpretation guidelines (Richards et al. 2015 PMID: 25741868, with internal and published modifications).

Fulgent Genetics
Classification: Likely benign for Neuropathy, hereditary sensory and autonomic, type 2A; Pseudohypoaldosteronism type 2C. Last evaluated: 2022-04-04. Review status: criteria provided, single submitter. Criteria: ACMG Guidelines, 2015. Collection method: clinical testing. Allele origin: unknown.

NM_018979.4(WNK1):c.5121A>G (p.Thr1707=)

Gene: WNK1 (WNK lysine deficient protein kinase 1; plus strand). Cytogenetic location: 12p13.33.
Variant type: single nucleotide variant.
Coding change: c.5121A>G on transcript NM_018979.4 (MANE Select); coding-DNA position 5121, A replaced by G.
Protein change: p.Thr1707=; no amino-acid change (threonine 1707 retained).
Molecular consequence: synonymous variant.
Genome position (GRCh38, 1-based): chr12:885,925, A>G. VCF-style: chr12-885925-A-G. GRCh37 (hg19) VCF-style: chr12-995091-A-G.
Other names: c.5121A>G (NM_018979.3); c.5901A>G, p.Thr1967= (NM_001184985.2); c.4380A>G, p.Thr1460= (NM_014823.3); c.5877A>G, p.Thr1959= (NM_213655.5).
Identifiers: ClinVar variation 1159840 (VCV001159840.11), dbSNP rs199923381, ClinGen allele CA6383069.